The following is an entry in ClinVar:

ClinVar aggregate classification (germline): Uncertain significance (1 of 4 stars; one submission).

gnomAD v4.1: 1 of 1,614,218 alleles (0.000062%); highest among the groups gnomAD compares: East Asian, 0.0022%; no homozygotes.

Submission:

GeneDx
Classification: Uncertain significance. Last evaluated: 2023-07-05. Review status: criteria provided, single submitter. Criteria: GeneDx Variant Classification Process June 2021. Collection method: clinical testing. Allele origin: germline. Affected: yes.
Comment: Not observed at significant frequency in large population cohorts (gnomAD); In silico analysis supports that this missense variant has a deleterious effect on protein structure/function; Has not been previously published as pathogenic or benign to our knowledge

NM_018127.7(ELAC2):c.1484A>G (p.Lys495Arg)

Gene: ELAC2 (elaC ribonuclease Z 2; minus strand). Cytogenetic location: 17p12.
Variant type: single nucleotide variant.
Coding change: c.1484A>G on transcript NM_018127.7 (MANE Select); coding-DNA position 1484, A replaced by G.
Protein change: p.Lys495Arg; replaces lysine 495 with arginine.
Molecular consequence: missense variant.
Genome position (GRCh38, 1-based): chr17:12,998,448, T>C on the plus strand (A>G on the coding strand, the complement: ELAC2 is on the minus strand). VCF-style: chr17-12998448-T-C. GRCh37 (hg19) VCF-style: chr17-12901765-T-C.
Other names: c.1364A>G, p.Lys455Arg (NM_001165962.2); c.1481A>G, p.Lys494Arg (NM_173717.2); short protein forms K455R, K494R, K495R.
Identifiers: ClinVar variation 3360293 (VCV003360293.1).
Genomic context (GRCh38, chr17:12,998,448, plus strand): 5'-ATGCTTCCTGGGAAAGCAGCATACCTTATGTTGACAAGTGTGGCACTGACATTTCGAATC[T>C]TCATCGGGATGGCAGACCCTGTTCCAAGGAAGATGATTTCTGGGTACTGACTTCTTTTCT-3'
Protein context (NP_060597.4, residues 485-505): FLGTGSAIPM[Lys495Arg]IRNVSATLVN